The following is an entry in ClinVar:

NM_001556.3(IKBKB):c.1532T>C (p.Leu511Pro)

Gene: IKBKB (inhibitor of nuclear factor kappa B kinase subunit beta; plus strand). Cytogenetic location: 8p11.21.
Variant type: single nucleotide variant.
Coding change: c.1532T>C on transcript NM_001556.3 (MANE Select); coding-DNA position 1532, T replaced by C.
Protein change: p.Leu511Pro; replaces leucine 511 with proline.
Molecular consequence: missense variant. On other transcripts: non-coding transcript variant (2).
Genome position (GRCh38, 1-based): chr8:42,319,600, T>C. VCF-style: chr8-42319600-T-C. GRCh37 (hg19) VCF-style: chr8-42177118-T-C.
Other names: c.1340T>C, p.Leu447Pro (NM_001190720.3); c.1355T>C, p.Leu452Pro (NM_001242778.2); short protein forms L447P, L452P, L511P.
Identifiers: ClinVar variation 4811344 (VCV004811344.1).
Genomic context (GRCh38, chr8:42,319,600, plus strand): 5'-TTTTATTTTGTTTTGTTTTGTTTTTCCTTCTCAATTTTTTTTCAGCATCAGATAAACTGC[T>C]GCTGGCCTGGAGGGAAATGGAGCAGGCTGTGGAGCTCTGTGGGCGGGTAGGAGACTCATT-3'
Protein context (NP_001547.1, residues 501-521): TEFGITSDKL[Leu511Pro]LAWREMEQAV

ClinVar aggregate classification (germline): Uncertain significance (1 of 4 stars; one submission).

Conditions:
Severe combined immunodeficiency due to IKK2 deficiency. Also called: IMMUNODEFICIENCY 15B; Immunodeficiency 15. Identifiers: Orphanet 397787, MedGen C4747743, MONDO:0014267, OMIM 615592.

Submission:

Labcorp Genetics (formerly Invitae), Labcorp
Classification: Uncertain significance for Severe combined immunodeficiency due to IKK2 deficiency. Last evaluated: 2025-08-18. Review status: criteria provided, single submitter. Criteria: Invitae Variant Classification Sherloc (09022015). Collection method: clinical testing. Allele origin: germline.
Comment: This sequence change replaces leucine, which is neutral and non-polar, with proline, which is neutral and non-polar, at codon 511 of the IKBKB protein (p.Leu511Pro). This variant is not present in population databases (gnomAD no frequency). This variant has not been reported in the literature in individuals affected with IKBKB-related conditions. Invitae Evidence Modeling of protein sequence and biophysical properties (such as structural, functional, and spatial information, amino acid conservation, physicochemical variation, residue mobility, and thermodynamic stability) indicates that this missense variant is not expected to disrupt IKBKB protein function with a negative predictive value of 95%. In summary, the available evidence is currently insufficient to determine the role of this variant in disease. Therefore, it has been classified as a Variant of Uncertain Significance.